The following is an entry in ClinVar:

NM_015570.4(AUTS2):c.3344C>T (p.Ser1115Phe)

Gene: AUTS2 (activator of transcription and developmental regulator AUTS2; plus strand). Cytogenetic location: 7q11.22.
Variant type: single nucleotide variant.
Coding change: c.3344C>T on transcript NM_015570.4 (MANE Select); coding-DNA position 3344, C replaced by T.
Protein change: p.Ser1115Phe; replaces serine 1115 with phenylalanine.
Molecular consequence: missense variant.
Genome position (GRCh38, 1-based): chr7:70,790,560, C>T. VCF-style: chr7-70790560-C-T. GRCh37 (hg19) VCF-style: chr7-70255546-C-T.
Other names: c.3272C>T, p.Ser1091Phe (NM_001127231.3); short protein forms S1091F, S1115F.
Identifiers: ClinVar variation 1991342 (VCV001991342.4), dbSNP rs751130860, ClinGen allele CA4281308.

ClinVar aggregate classification (germline): Uncertain significance (1 of 4 stars; one submission).

Allele frequency attached by ClinVar (database versions not stated): ExAC 0.00001.
gnomAD v4.1: 2 of 1,603,678 alleles (0.00012%); highest among the groups gnomAD compares: Admixed American, 0.0034%; no homozygotes.

Submission:

Labcorp Genetics (formerly Invitae), Labcorp
Classification: Uncertain significance. Last evaluated: 2023-07-09. Review status: criteria provided, single submitter. Criteria: Invitae Variant Classification Sherloc (09022015). Collection method: clinical testing. Allele origin: germline.
Comment: In summary, the available evidence is currently insufficient to determine the role of this variant in disease. Therefore, it has been classified as a Variant of Uncertain Significance. Advanced modeling of protein sequence and biophysical properties (such as structural, functional, and spatial information, amino acid conservation, physicochemical variation, residue mobility, and thermodynamic stability) performed at Invitae indicates that this missense variant is expected to disrupt AUTS2 protein function. ClinVar contains an entry for this variant (Variation ID: 1991342). This variant has not been reported in the literature in individuals affected with AUTS2-related conditions. The frequency data for this variant in the population databases is considered unreliable, as metrics indicate poor data quality at this position in the gnomAD database. This sequence change replaces serine, which is neutral and polar, with phenylalanine, which is neutral and non-polar, at codon 1115 of the AUTS2 protein (p.Ser1115Phe).